The following is an entry in ClinVar:

NM_000135.4(FANCA):c.1794C>G (p.Asp598Glu)

Gene: FANCA (FA complementation group A; minus strand). Cytogenetic location: 16q24.3.
Variant type: single nucleotide variant.
Coding change: c.1794C>G on transcript NM_000135.4 (MANE Select); coding-DNA position 1794, C replaced by G.
Protein change: p.Asp598Glu; replaces aspartic acid 598 with glutamic acid.
Molecular consequence: missense variant.
Genome position (GRCh38, 1-based): chr16:89,778,833, G>C on the plus strand (C>G on the coding strand, the complement: FANCA is on the minus strand). VCF-style: chr16-89778833-G-C. GRCh37 (hg19) VCF-style: chr16-89845241-G-C.
Other names: c.1794C>G, p.Asp598Glu (NM_001286167.3); short protein forms D598E.
Identifiers: ClinVar variation 1434166 (VCV001434166.8), dbSNP rs2143422796, ClinGen allele CA397454516.
Genomic context (GRCh38, chr16:89,778,833, plus strand): 5'-TCATCCCCTTCTAACCGTTGCTGCATACCTCTTCAGAGACTCTATAAACGCCACACGGGA[G>C]TCAGGGACTTTGGGGAGCTGTGGGAAGAGAAGAGACCTGTGAGAGACTGACAAGGAAAGT-3'
Protein context (NP_000126.2, residues 588-608): LTPRVLPKVP[Asp598Glu]SRVAFIESLK

ClinVar aggregate classification (germline): Uncertain significance. Review status: criteria provided, multiple submitters, no conflicts (2 of 4 stars). 2 submissions from 2 submitters: Uncertain significance (2). Last evaluated 2025-01-12.

Conditions:
Fanconi anemia (FA). Also called: Fanconi's anemia. Identifiers: Orphanet 84, MedGen C0015625, MeSH D005199, MONDO:0019391.
Fanconi anemia complementation group A (FANCA). Also called: Fanconi anemia, group A; FANCA-Related Fanconi Anemia. Identifiers: Orphanet 84, MedGen C3469521, MONDO:0009215, OMIM 227650.

Allele frequency attached by ClinVar (database versions not stated): gnomAD exomes below 0.00001.

Submissions (2):

Labcorp Genetics (formerly Invitae), Labcorp
Classification: Uncertain significance for Fanconi anemia. Last evaluated: 2025-01-12. Review status: criteria provided, single submitter. Criteria: Invitae Variant Classification Sherloc (09022015). Collection method: clinical testing. Allele origin: germline.
Comment: This sequence change replaces aspartic acid, which is acidic and polar, with glutamic acid, which is acidic and polar, at codon 598 of the FANCA protein (p.Asp598Glu). This variant is not present in population databases (gnomAD no frequency). This variant has not been reported in the literature in individuals affected with FANCA-related conditions. ClinVar contains an entry for this variant (Variation ID: 1434166). Invitae Evidence Modeling of protein sequence and biophysical properties (such as structural, functional, and spatial information, amino acid conservation, physicochemical variation, residue mobility, and thermodynamic stability) has been performed for this missense variant. However, the output from this modeling did not meet the statistical confidence thresholds required to predict the impact of this variant on FANCA protein function. In summary, the available evidence is currently insufficient to determine the role of this variant in disease. Therefore, it has been classified as a Variant of Uncertain Significance.

Fulgent Genetics
Classification: Uncertain significance for Fanconi anemia complementation group A. Last evaluated: 2021-08-02. Review status: criteria provided, single submitter. Criteria: ACMG Guidelines, 2015. Collection method: clinical testing. Allele origin: unknown.